The following is an entry in ClinVar:

ClinVar aggregate classification (germline): Uncertain significance (1 of 4 stars; one submission).

Conditions:
Bardet-Biedl syndrome (BBS). Identifiers: Orphanet 110, MedGen C0752166, MONDO:0015229.

Submission:

Labcorp Genetics (formerly Invitae), Labcorp
Classification: Uncertain significance for Bardet-Biedl syndrome. Last evaluated: 2022-06-01. Review status: criteria provided, single submitter. Criteria: Invitae Variant Classification Sherloc (09022015). Collection method: clinical testing. Allele origin: germline.
Comment: In summary, the available evidence is currently insufficient to determine the role of this variant in disease. Therefore, it has been classified as a Variant of Uncertain Significance. Algorithms developed to predict the effect of missense changes on protein structure and function are either unavailable or do not agree on the potential impact of this missense change (SIFT: "Deleterious"; PolyPhen-2: "Probably Damaging"; Align-GVGD: "Class C0"). This variant has not been reported in the literature in individuals affected with BBS10-related conditions. This variant is not present in population databases (gnomAD no frequency). This sequence change replaces leucine, which is neutral and non-polar, with valine, which is neutral and non-polar, at codon 90 of the BBS10 protein (p.Leu90Val).

NM_024685.4(BBS10):c.268C>G (p.Leu90Val)

Gene: BBS10 (Bardet-Biedl syndrome 10; minus strand). Cytogenetic location: 12q21.2.
Variant type: single nucleotide variant.
Coding change: c.268C>G on transcript NM_024685.4 (MANE Select); coding-DNA position 268, C replaced by G.
Protein change: p.Leu90Val; replaces leucine 90 with valine.
Molecular consequence: missense variant.
Genome position (GRCh38, 1-based): chr12:76,347,717, G>C on the plus strand (C>G on the coding strand, the complement: BBS10 is on the minus strand). VCF-style: chr12-76347717-G-C. GRCh37 (hg19) VCF-style: chr12-76741497-G-C.
Other names: short protein forms L90V.
Identifiers: ClinVar variation 2113479 (VCV002113479.2), dbSNP rs2540957236, ClinGen allele CA385815876.